The following is an entry in ClinVar:

ClinVar aggregate classification (germline): Conflicting classifications of pathogenicity. Review status: criteria provided, conflicting classifications (1 of 4 stars). 4 submissions from 4 submitters: Uncertain significance (1); Benign (1); Likely benign (2). Last evaluated 2025-08-11.

Conditions:
Occult macular dystrophy (OCMD). Also called: OMD; OCCULT MACULAR DYSTROPHY, SUSCEPTIBILITY TO. Identifiers: Orphanet 247834, MedGen C3150833, MONDO:0013316, OMIM 613587, HP:0030636.
Inborn genetic diseases. Identifiers: MedGen C0950123, MeSH D030342.

Allele frequency attached by ClinVar (database versions not stated): 1000 Genomes Project 30x 0.00016; 1000 Genomes Project 0.00020; ESP Exome Variant Server 0.00024; TOPMed 0.00030; gnomAD 0.00081 and 0.00084; gnomAD exomes 0.00089; ExAC 0.00101.
gnomAD v4.1: 858 of 1,613,614 alleles (0.053%); highest among the groups gnomAD compares: Non-Finnish European, 0.043%; 2 homozygotes.

Submissions (4):

Ambry Genetics
Classification: Uncertain significance for Inborn genetic diseases. Last evaluated: 2025-08-11. Review status: criteria provided, single submitter. Criteria: Ambry Variant Classification Scheme 2023. Collection method: clinical testing. Allele origin: germline.

Blueprint Genetics
Classification: Likely benign. Last evaluated: 2024-11-21. Review status: criteria provided, single submitter. Criteria: ACMG Guidelines, 2015. Collection method: clinical testing. Allele origin: germline.

CeGaT Center for Human Genetics Tuebingen
Classification: Likely benign. Last evaluated: 2024-09-01. Review status: criteria provided, single submitter. Criteria: CeGaT Center For Human Genetics Tuebingen Variant Classification Criteria Version 2. Collection method: clinical testing. Allele origin: germline. Affected: yes. Observed: 3 variant alleles.
Comment: RP1L1: BP4

Illumina Laboratory Services, Illumina
Classification: Benign for Occult macular dystrophy. Last evaluated: 2018-01-12. Review status: criteria provided, single submitter. Criteria: ICSL Variant Classification Criteria 13 December 2019. Collection method: clinical testing. Allele origin: germline.
Comment: This variant was observed in the ICSL laboratory as part of a predisposition screen in an ostensibly healthy population. It had not been previously curated by ICSL or reported in the Human Gene Mutation Database (HGMD: prior to June 1st, 2018), and was therefore a candidate for classification through an automated scoring system. Utilizing variant allele frequency, disease prevalence and penetrance estimates, and inheritance mode, an automated score was calculated to assess if this variant is too frequent to cause the disease. Based on the score and internal cut-off values, a variant classified as benign is not then subjected to further curation. The score for this variant resulted in a classification of benign for this disease.

NM_178857.6(RP1L1):c.5713G>A (p.Gly1905Ser)

Gene: RP1L1 (RP1 like 1). Cytogenetic location: 8p23.1.
Variant type: single nucleotide variant.
Coding change: c.5713G>A on transcript NM_178857.6 (MANE Select); coding-DNA position 5713, G replaced by A.
Protein change: p.Gly1905Ser; replaces glycine 1905 with serine.
Molecular consequence: missense variant.
Genome position (GRCh38, 1-based): chr8:10,608,385, C>T on the plus strand (G>A on the coding strand, the complement: RP1L1 is on the minus strand). VCF-style: chr8-10608385-C-T. GRCh37 (hg19) VCF-style: chr8-10465895-C-T.
Other names: short protein forms G1905S.
Identifiers: ClinVar variation 361241 (VCV000361241.51), dbSNP rs202121941, ClinGen allele CA4623560.
Genomic context (GRCh38, chr8:10,608,385, plus strand): 5'-GGGCCTCTACACTTTCTGTCTCTGGCTGGGCCTCCTTTTCTGCCTCCGGGGCTTCTGCAC[C>T]TTCTGACTCTGGCTGGACCTCCCATTCTGCCTCTGGGGTCTCTACATCTTCTGACTCTGG-3'
Protein context (NP_849188.4, residues 1895-1915): AEWEVQPESE[Gly1905Ser]AEAPEAEKEA